The following is an entry in ClinVar:

NM_144997.7(FLCN):c.1301-21_1301-19dup

Gene: FLCN (folliculin; minus strand). Cytogenetic location: 17p11.2.
Variant type: Duplication.
Coding change: c.1301-21_1301-19dup on transcript NM_144997.7 (MANE Select); 21 bases into the intron before coding-DNA position 1301 through 19 bases into the intron before coding-DNA position 1301, 3 bases duplicated (ACG; older notation c.1301-21_1301-19dupACG).
Molecular consequence: intron variant.
Genome position (GRCh38, 1-based): chr17:17,215,335-17,215,337, CGT duplicated on the plus strand (ACG on the coding strand, the reverse complement: FLCN is on the minus strand). VCF-style (leftmost placement, unchanged base first): chr17-17215334-C-CCGT. GRCh37 (hg19) VCF-style: chr17-17118648-C-CCGT.
Other names: c.1301-21_1301-19dup (NM_001353231.2, NM_001353230.2); c.1355-21_1355-19dup (NM_001353229.2).
Identifiers: ClinVar variation 3773431 (VCV003773431.1).

ClinVar aggregate classification (germline): Benign (1 of 4 stars; one submission).

Conditions:
Birt-Hogg-Dube syndrome 1 (BHD1). Also called: FIBROFOLLICULOMAS WITH TRICHODISCOMAS AND ACROCHORDONS. Identifiers: Orphanet 122, MedGen CN375946, MONDO:0800445, OMIM 135150.

Submission:

Myriad Genetics, Inc.
Classification: Benign for Birt-Hogg-Dube syndrome 1. Last evaluated: 2024-10-24. Review status: criteria provided, single submitter. Criteria: Myriad Autosomal Dominant, Autosomal Recessive and X-Linked Classification Criteria (2023). Collection method: clinical testing. Allele origin: unknown.
Comment: This variant is considered benign. This variant is intronic and is not expected to impact mRNA splicing.